The following is an entry in ClinVar:

ClinVar aggregate classification (germline): Uncertain significance (1 of 4 stars; one submission).

Conditions:
Arginine:glycine amidinotransferase deficiency (CCDS3). Also called: Cerebral creatine deficiency syndrome 3; Creatine deficiency syndrome due to AGAT deficiency; GATM deficiency; L-Arginine:Glycine Amidinotransferase (AGAT) Deficiency; AGAT deficiency; L-Arginine:Glycine Amidinotransferase Deficiency. Identifiers: Orphanet 35704, MedGen C2675179, MONDO:0012996, OMIM 612718.

Allele frequency attached by ClinVar (database versions not stated): TOPMed below 0.00001.
gnomAD v4.1: 3 of 1,613,274 alleles (0.00019%); highest among the groups gnomAD compares: Non-Finnish European, 0.00025%; no homozygotes.

Submission:

Labcorp Genetics (formerly Invitae), Labcorp
Classification: Uncertain significance for Arginine:glycine amidinotransferase deficiency. Last evaluated: 2023-05-22. Review status: criteria provided, single submitter. Criteria: Invitae Variant Classification Sherloc (09022015). Collection method: clinical testing. Allele origin: germline.
Comment: In summary, the available evidence is currently insufficient to determine the role of this variant in disease. Therefore, it has been classified as a Variant of Uncertain Significance. Advanced modeling of protein sequence and biophysical properties (such as structural, functional, and spatial information, amino acid conservation, physicochemical variation, residue mobility, and thermodynamic stability) performed at Invitae indicates that this missense variant is not expected to disrupt GATM protein function. ClinVar contains an entry for this variant (Variation ID: 1955445). This variant has not been reported in the literature in individuals affected with GATM-related conditions. This variant is not present in population databases (gnomAD no frequency). This sequence change replaces asparagine, which is neutral and polar, with serine, which is neutral and polar, at codon 375 of the GATM protein (p.Asn375Ser).

NM_001482.3(GATM):c.1124A>G (p.Asn375Ser)

Gene: GATM (glycine amidinotransferase; minus strand). Cytogenetic location: 15q21.1.
Variant type: single nucleotide variant.
Coding change: c.1124A>G on transcript NM_001482.3 (MANE Select); coding-DNA position 1124, A replaced by G.
Protein change: p.Asn375Ser; replaces asparagine 375 with serine.
Molecular consequence: missense variant.
Genome position (GRCh38, 1-based): chr15:45,363,935, T>C on the plus strand (A>G on the coding strand, the complement: GATM is on the minus strand). VCF-style: chr15-45363935-T-C. GRCh37 (hg19) VCF-style: chr15-45656133-T-C.
Other names: c.737A>G, p.Asn246Ser (NM_001321015.2); short protein forms N246S, N375S.
Identifiers: ClinVar variation 1955445 (VCV001955445.4), dbSNP rs758861947, ClinGen allele CA270166231.
Genomic context (GRCh38, chr15:45,363,935, plus strand): 5'-AACATGTTTCATTTGTTGTACATACCCAGCTTTTCAAACATCTTTTGAATTGGAACTTCA[T>C]TGGCATCCACCATAACACGTTTTTCATCTAGCATTAAGACATTCATGGAAAGCCATTTGG-3'
Protein context (NP_001473.1, residues 365-385): LDEKRVMVDA[Asn375Ser]EVPIQKMFEK